The following is an entry in ClinVar:

ClinVar aggregate classification (germline): Likely benign. Review status: criteria provided, multiple submitters, no conflicts (2 of 4 stars). 3 submissions from 3 submitters: Likely benign (3). Last evaluated 2025-11-11.

Conditions:
Alacrima, achalasia, and impaired intellectual development syndrome. Also called: Alacrima, achalasia, and intellectual disability syndrome; Alacrima, achalasia, and mental retardation syndrome. Identifiers: Orphanet 869, MedGen C4706563, MONDO:0014219, OMIM 615510.

Allele frequency attached by ClinVar (database versions not stated): gnomAD 0.00003 and 0.00006; TOPMed 0.00004; ExAC 0.00007; gnomAD exomes 0.00005 and 0.00006.

Submissions (3):

Labcorp Genetics (formerly Invitae), Labcorp
Classification: Likely benign for Alacrima, achalasia, and impaired intellectual development syndrome. Last evaluated: 2025-11-11. Review status: criteria provided, single submitter. Criteria: Invitae Variant Classification Sherloc (09022015). Collection method: clinical testing. Allele origin: germline.

Fulgent Genetics
Classification: Likely benign for Alacrima, achalasia, and impaired intellectual development syndrome. Last evaluated: 2022-01-21. Review status: criteria provided, single submitter. Criteria: ACMG Guidelines, 2015. Collection method: clinical testing. Allele origin: unknown.

GeneDx
Classification: Likely benign. Last evaluated: 2017-07-31. Review status: criteria provided, single submitter. Criteria: GeneDx Variant Classification (06012015). Collection method: clinical testing. Allele origin: germline. Affected: yes.
Comment: This variant is considered likely benign or benign based on one or more of the following criteria: it is a conservative change, it occurs at a poorly conserved position in the protein, it is predicted to be benign by multiple in silico algorithms, and/or has population frequency not consistent with disease.

NM_013335.4(GMPPA):c.300C>T (p.Asp100=)

Genes: ASIC4-AS1 (ASIC4 antisense RNA 1; minus strand), GMPPA (GDP-mannose pyrophosphorylase A; plus strand). Cytogenetic location: 2q35.
Variant type: single nucleotide variant.
Coding change: c.300C>T on transcript NM_013335.4 (MANE Select); coding-DNA position 300, C replaced by T.
Protein change: p.Asp100=; no amino-acid change (aspartic acid 100 retained).
Molecular consequence: synonymous variant.
Genome position (GRCh38, 1-based): chr2:219,501,908, C>T. VCF-style: chr2-219501908-C-T. GRCh37 (hg19) VCF-style: chr2-220366630-C-T.
Other names: c.300C>T, p.Asp100= (NM_205847.3).
Identifiers: ClinVar variation 385408 (VCV000385408.6), dbSNP rs779526489, ClinGen allele CA2128110.